The following is an entry in ClinVar:

NM_001114753.3(ENG):c.743del (p.Asp248fs)

Gene: ENG (endoglin; minus strand). Cytogenetic location: 9q34.11.
Variant type: Deletion.
Coding change: c.743del on transcript NM_001114753.3 (MANE Select); coding-DNA position 743, one base deleted (A; older notation c.743delA).
Protein change: p.Asp248fs; shifts the reading frame from aspartic acid 248.
Molecular consequence: frameshift variant.
Genome position (GRCh38, 1-based): chr9:127,825,304, T deleted on the plus strand (A on the coding strand, the reverse complement: ENG is on the minus strand). VCF-style (leftmost placement, unchanged base first): chr9-127825303-AT-A. GRCh37 (hg19) VCF-style: chr9-130587582-AT-A.
Other names: p.Asp248Valfs*111; c.743delA (NM_000118.3); c.743del (NM_001114753.2); c.743delA, p.Asp248Valfs (NM_000118.4, NM_001114753.2, NM_001406715.1); c.197del, p.Asp66fs (NM_001278138.2); short protein forms D66fs, D248fs.
Identifiers: ClinVar variation 640315 (VCV000640315.13), dbSNP rs1588581961, ClinGen allele CA915947180.

ClinVar aggregate classification (germline): Pathogenic. Review status: criteria provided, multiple submitters, no conflicts (2 of 4 stars). 3 submissions from 3 submitters: Pathogenic (3). Last evaluated 2022-06-01.

Conditions:
Cardiovascular phenotype. Identifiers: MedGen CN230736.
Hereditary hemorrhagic telangiectasia (HHT). Also called: ORW DISEASE; Osler Weber Rendu syndrome; OSLER-RENDU-WEBER DISEASE; Osler hemorrhagic telangiectasia syndrome. Identifiers: Orphanet 774, MedGen C0039445, MONDO:0019180. Disease mechanism: loss of function.

Submissions (3):

Mayo Clinic Laboratories, Mayo Clinic
Classification: Pathogenic. Last evaluated: 2022-06-01. Review status: criteria provided, single submitter. Criteria: ACMG Guidelines, 2015. Collection method: clinical testing. Allele origin: germline. Observed: 1 variant allele.
Comment: PM2_supporting, PS4_moderate, PVS1

Ambry Genetics
Classification: Pathogenic for Cardiovascular phenotype. Last evaluated: 2021-12-29. Review status: criteria provided, single submitter. Criteria: Ambry Variant Classification Scheme 2023. Collection method: clinical testing. Allele origin: germline.
Comment: The c.743delA pathogenic mutation, located in coding exon 6 of the ENG gene, results from a deletion of one nucleotide at nucleotide position 743, causing a translational frameshift with a predicted alternate stop codon (p.D248Vfs*111). This alteration has been reported in individuals with hereditary hemorrhagic telangiectasia (HHT) (Bossler AD et al. Hum Mutat, 2006 Jul;27:667-75; McDonald J et al. Clin Genet, 2011 Apr;79:335-44). This variant is considered to be rare based on population cohorts in the Genome Aggregation Database (gnomAD). In addition, this alteration is expected to result in loss of function by premature protein truncation or nonsense-mediated mRNA decay. As such, this alteration is interpreted as a disease-causing mutation.

Labcorp Genetics (formerly Invitae), Labcorp
Classification: Pathogenic for Hereditary hemorrhagic telangiectasia. Last evaluated: 2018-07-28. Review status: criteria provided, single submitter. Criteria: Invitae Variant Classification Sherloc (09022015). Collection method: clinical testing. Allele origin: germline.
Comment: This sequence change creates a premature translational stop signal (p.Asp248Valfs*111) in the ENG gene. It is expected to result in an absent or disrupted protein product. This variant is not present in population databases (ExAC no frequency). This variant has been observed in an individual affected with hereditary hemorrhagic telangiectasia (PMID: 21158752). Loss-of-function variants in ENG are known to be pathogenic (PMID: 15879500, 20656886, 22385575). For these reasons, this variant has been classified as Pathogenic.

Literature cited by the submitters: PubMed 16752392 (cited by Ambry Genetics); PubMed 21158752 (cited by Ambry Genetics and Labcorp Genetics (formerly Invitae), Labcorp); PubMed 15879500 (cited by Labcorp Genetics (formerly Invitae), Labcorp); PubMed 20656886 (cited by Labcorp Genetics (formerly Invitae), Labcorp); PubMed 22385575 (cited by Labcorp Genetics (formerly Invitae), Labcorp).